The following is an entry in ClinVar:

ClinVar aggregate classification (germline): Uncertain significance. Review status: criteria provided, multiple submitters, no conflicts (2 of 4 stars). 2 submissions from 2 submitters: Uncertain significance (2). Last evaluated 2023-02-03.

Conditions:
Cardiac arrhythmia. Also called: Cardiac rhythm disease; Arrhythmia. Identifiers: MedGen C0003811, MONDO:0007263, HP:0011675.

Allele frequency attached by ClinVar (database versions not stated): gnomAD exomes below 0.00001.
gnomAD v4.1: 2 of 1,614,102 alleles (0.00012%); highest among the groups gnomAD compares: Non-Finnish European, 0.00017%; no homozygotes.

Submissions (2):

Labcorp Genetics (formerly Invitae), Labcorp
Classification: Uncertain significance for Cardiac arrhythmia. Last evaluated: 2023-02-03. Review status: criteria provided, single submitter. Criteria: Invitae Variant Classification Sherloc (09022015). Collection method: clinical testing. Allele origin: germline.
Comment: This sequence change replaces glutamine, which is neutral and polar, with arginine, which is basic and polar, at codon 45 of the RANGRF protein (p.Gln45Arg). In summary, the available evidence is currently insufficient to determine the role of this variant in disease. Therefore, it has been classified as a Variant of Uncertain Significance. Algorithms developed to predict the effect of missense changes on protein structure and function are either unavailable or do not agree on the potential impact of this missense change (SIFT: "Deleterious"; PolyPhen-2: "Possibly Damaging"; Align-GVGD: "Class C0"). This variant has not been reported in the literature in individuals affected with RANGRF-related conditions. This variant is not present in population databases (gnomAD no frequency).

Ambry Genetics
Classification: Uncertain significance. Last evaluated: 2022-02-03. Review status: criteria provided, single submitter. Criteria: Ambry Variant Classification Scheme 2023. Collection method: clinical testing. Allele origin: germline.

NM_016492.5(RANGRF):c.134A>G (p.Gln45Arg)

Genes: SLC25A35 (solute carrier family 25 member 35; minus strand), RANGRF (RAN guanine nucleotide release factor; plus strand), LOC130060241 (ATAC-STARR-seq lymphoblastoid active region 11693; plus strand). Cytogenetic location: 17p13.1.
Variant type: single nucleotide variant.
Coding change: c.134A>G on transcript NM_016492.5 (MANE Select); coding-DNA position 134, A replaced by G.
Protein change: p.Gln45Arg; replaces glutamine 45 with arginine.
Molecular consequence: missense variant. On other transcripts: 3 prime UTR variant (2), non-coding transcript variant (2), intron variant (1).
Genome position (GRCh38, 1-based): chr17:8,289,012, A>G. VCF-style: chr17-8289012-A-G. GRCh37 (hg19) VCF-style: chr17-8192330-A-G.
Other names: c.134A>G, p.Gln45Arg (NM_001177801.2, NM_001177802.2, NM_001330127.2); c.*471T>C (NM_001320872.2); c.*604T>C (NM_201520.3); c.*42+562T>C (NM_001320871.2); short protein forms Q45R.
Identifiers: ClinVar variation 2275397 (VCV002275397.5), dbSNP rs2543865538, ClinGen allele CA397994160.